The following is an entry in ClinVar:

NM_014989.7(RIMS1):c.4013A>G (p.Lys1338Arg)

Gene: RIMS1 (regulating synaptic membrane exocytosis 1; plus strand). Cytogenetic location: 6q13.
Variant type: single nucleotide variant.
Coding change: c.4013A>G on transcript NM_014989.7 (MANE Select); coding-DNA position 4013, A replaced by G.
Protein change: p.Lys1338Arg; replaces lysine 1338 with arginine.
Molecular consequence: missense variant. On other transcripts: intron variant (24).
Genome position (GRCh38, 1-based): chr6:72,313,555, A>G. VCF-style: chr6-72313555-A-G. GRCh37 (hg19) VCF-style: chr6-73023258-A-G.
Other names: c.1853A>G, p.Lys618Arg (NM_001350460.2); c.1730A>G, p.Lys577Arg (NM_001350461.2); c.2018A>G, p.Lys673Arg (NM_001350462.2); c.1658A>G, p.Lys553Arg (NM_001350463.2); c.1661A>G, p.Lys554Arg (NM_001350464.2); c.1691A>G, p.Lys564Arg (NM_001350466.2); c.1580A>G, p.Lys527Arg (NM_001350467.2); c.1505A>G, p.Lys502Arg (NM_001350468.2); and 51 more; short protein forms K502R, K527R, K569R, K607R, K612R, K641R, K673R, K690R.
Identifiers: ClinVar variation 1384772 (VCV001384772.6), dbSNP rs1339410173, ClinGen allele CA364691005.

ClinVar aggregate classification (germline): Uncertain significance (1 of 4 stars; one submission).

gnomAD v4.1: 12 of 1,613,846 alleles (0.00074%); highest among the groups gnomAD compares: Non-Finnish European, 0.001%; no homozygotes.

Submission:

Labcorp Genetics (formerly Invitae), Labcorp
Classification: Uncertain significance. Last evaluated: 2022-04-01. Review status: criteria provided, single submitter. Criteria: Invitae Variant Classification Sherloc (09022015). Collection method: clinical testing. Allele origin: germline.
Comment: This sequence change replaces lysine, which is basic and polar, with arginine, which is basic and polar, at codon 1338 of the RIMS1 protein (p.Lys1338Arg). This variant is not present in population databases (gnomAD no frequency). This variant has not been reported in the literature in individuals affected with RIMS1-related conditions. Algorithms developed to predict the effect of missense changes on protein structure and function output the following: SIFT: "Tolerated"; PolyPhen-2: "Benign"; Align-GVGD: "Class C0". The arginine amino acid residue is found in multiple mammalian species, which suggests that this missense change does not adversely affect protein function. Algorithms developed to predict the effect of sequence changes on RNA splicing suggest that this variant may create or strengthen a splice site. In summary, the available evidence is currently insufficient to determine the role of this variant in disease. Therefore, it has been classified as a Variant of Uncertain Significance.